The following is an entry in ClinVar:

ClinVar aggregate classification (germline): Conflicting classifications of pathogenicity. Review status: criteria provided, conflicting classifications (1 of 4 stars). 3 submissions from 3 submitters: Uncertain significance (2); Likely benign (1). Last evaluated 2025-12-22.

Submissions (3):

Women's Health and Genetics/Laboratory Corporation of America, LabCorp
Classification: Likely benign. Last evaluated: 2025-12-22. Review status: criteria provided, single submitter. Criteria: LabCorp Variant Classification Summary - May 2015. Collection method: clinical testing. Allele origin: germline.

Labcorp Genetics (formerly Invitae), Labcorp
Classification: Uncertain significance. Last evaluated: 2021-03-10. Review status: criteria provided, single submitter. Criteria: Invitae Variant Classification Sherloc (09022015). Collection method: clinical testing. Allele origin: germline.
Comment: This sequence change falls in intron 9 of the COL4A5 gene. It does not directly change the encoded amino acid sequence of the COL4A5 protein. This variant is not present in population databases (ExAC no frequency). In summary, the available evidence is currently insufficient to determine the role of this variant in disease. Therefore, it has been classified as a Variant of Uncertain Significance. Algorithms developed to predict the effect of sequence changes on RNA splicing suggest that this variant may create or strengthen a splice site, but this prediction has not been confirmed by published transcriptional studies. This variant has been observed in individual(s) with clinical features of Alport syndrome (Invitae).

GeneDx
Classification: Uncertain significance. Last evaluated: 2021-02-25. Review status: criteria provided, single submitter. Criteria: GeneDx Variant Classification Process June 2021. Collection method: clinical testing. Allele origin: germline. Affected: yes.
Comment: Not observed in large population cohorts (Lek et al., 2016); In silico analysis supports a deleterious effect on splicing; Has not been previously published as pathogenic or benign to our knowledge

NM_033380.3(COL4A5):c.547-11C>G

Gene: COL4A5 (collagen type IV alpha 5 chain; plus strand). Cytogenetic location: Xq22.3.
Variant type: single nucleotide variant.
Coding change: c.547-11C>G on transcript NM_033380.3 (MANE Select); 11 bases into the intron before coding-DNA position 547, C replaced by G.
Molecular consequence: intron variant.
Genome position (GRCh38, 1-based): chrX:108,575,899, C>G. VCF-style: chrX-108575899-C-G. GRCh37 (hg19) VCF-style: chrX-107819129-C-G.
Other names: c.547-11C>G (NM_000495.5).
Identifiers: ClinVar variation 1314173 (VCV001314173.10), dbSNP rs1287996085, ClinGen allele CA2573055061.